The following is an entry in ClinVar:

NM_006767.4(LZTR1):c.367G>A (p.Ala123Thr)

Gene: LZTR1 (leucine zipper like post translational regulator 1; plus strand). Cytogenetic location: 22q11.21.
Variant type: single nucleotide variant.
Coding change: c.367G>A on transcript NM_006767.4 (MANE Select); coding-DNA position 367, G replaced by A.
Protein change: p.Ala123Thr; replaces alanine 123 with threonine.
Molecular consequence: missense variant.
Genome position (GRCh38, 1-based): chr22:20,987,550, G>A. VCF-style: chr22-20987550-G-A. GRCh37 (hg19) VCF-style: chr22-21341839-G-A.
Other names: short protein forms A123T.
Identifiers: ClinVar variation 3869344 (VCV003869344.1).

ClinVar aggregate classification (germline): Uncertain significance (1 of 4 stars; one submission).

Conditions:
Cardiovascular phenotype. Identifiers: MedGen CN230736.
Hereditary cancer-predisposing syndrome. Also called: Tumor predisposition; Neoplastic Syndromes, Hereditary; Hereditary Cancer Syndrome; Hereditary neoplastic syndrome. Identifiers: Orphanet 140162, MedGen C0027672, MeSH D009386, MONDO:0015356.

Submission:

Ambry Genetics
Classification: Uncertain significance for Cardiovascular phenotype; Hereditary cancer-predisposing syndrome. Last evaluated: 2025-03-05. Review status: criteria provided, single submitter. Criteria: Ambry Variant Classification Scheme 2023. Collection method: clinical testing. Allele origin: germline.
Comment: The p.A123T variant (also known as c.367G>A), located in coding exon 4 of the LZTR1 gene, results from a G to A substitution at nucleotide position 367. The alanine at codon 123 is replaced by threonine, an amino acid with similar properties. This amino acid position is conserved. In addition, the in silico prediction for this alteration is inconclusive. Based on the available evidence, the clinical significance of this variant remains unclear.